The following is an entry in ClinVar:

ClinVar aggregate classification (germline): Benign. Review status: criteria provided, multiple submitters, no conflicts (2 of 4 stars). 3 submissions from 3 submitters: Benign (3). Last evaluated 2026-02-03.

Allele frequency attached by ClinVar (database versions not stated): 1000 Genomes Project 30x 0.91405; 1000 Genomes Project 0.91868; TOPMed 0.92124; ESP Exome Variant Server 0.92651; gnomAD 0.94123; gnomAD exomes 0.95632; ExAC 0.95768.

Submissions (3):

Labcorp Genetics (formerly Invitae), Labcorp
Classification: Benign. Last evaluated: 2026-02-03. Review status: criteria provided, single submitter. Criteria: Invitae Variant Classification Sherloc (09022015). Collection method: clinical testing. Allele origin: germline.

GeneDx
Classification: Benign. Last evaluated: 2015-12-02. Review status: criteria provided, single submitter. Criteria: GeneDx Variant Classification (06012015). Collection method: clinical testing. Allele origin: germline. Affected: yes.
Comment: This variant is considered likely benign or benign based on one or more of the following criteria: it is a conservative change, it occurs at a poorly conserved position in the protein, it is predicted to be benign by multiple in silico algorithms, and/or has population frequency not consistent with disease.

Breakthrough Genomics
Classification: Benign. Review status: criteria provided, single submitter. Criteria: ACMG Guidelines, 2015. Collection method: not provided. Allele origin: germline. Inheritance: Unknown mechanism. Affected: yes.

NM_001079855.2(GYG2):c.7+17G>C

Gene: GYG2 (glycogenin 2; plus strand). Cytogenetic location: Xp22.33.
Variant type: single nucleotide variant.
Coding change: c.7+17G>C on transcript NM_001079855.2 (MANE Select); 17 bases into the intron after coding-DNA position 7, G replaced by C.
Molecular consequence: intron variant.
Genome position (GRCh38, 1-based): chrX:2,830,212, G>C. VCF-style: chrX-2830212-G-C. GRCh37 (hg19) VCF-style: chrX-2748253-G-C.
Other names: c.7+17G>C (NM_003918.3, NM_001184703.2, NM_001184702.2); c.-317+17G>C (NM_001184704.2).
Identifiers: ClinVar variation 379979 (VCV000379979.10), dbSNP rs6642032, ClinGen allele CA10336963.